The following is an entry in ClinVar:

NM_001080414.4(CCDC88C):c.2671_2673del (p.Lys891del)

Gene: CCDC88C (coiled-coil and HOOK domain protein 88C; minus strand). Cytogenetic location: 14q32.11.
Variant type: Deletion.
Coding change: c.2671_2673del on transcript NM_001080414.4 (MANE Select); coding-DNA positions 2671 to 2673, 3 bases deleted (AAG; older notation c.2671_2673delAAG).
Protein change: p.Lys891del; deletes lysine 891.
Molecular consequence: inframe deletion. On other transcripts: non-coding transcript variant (2).
Genome position (GRCh38, 1-based): chr14:91,313,143-91,313,145, CTT deleted on the plus strand (AAG on the coding strand, the reverse complement: CCDC88C is on the minus strand); deleting any 3 consecutive bases within chr14:91,313,143-91,313,147 gives the same sequence; the c. name uses the placement nearest the transcript's 3' end. VCF-style (leftmost placement, unchanged base first): chr14-91313142-CCTT-C. GRCh37 (hg19) VCF-style: chr14-91779486-CCTT-C.
Other names: short protein forms K891del.
Identifiers: ClinVar variation 5004165 (VCV005004165.1).

ClinVar aggregate classification (germline): Uncertain significance (1 of 4 stars; one submission).

Conditions:
Hydrocephalus, nonsyndromic, autosomal recessive 1 (HYC1). Also called: Congenital hydrocephalus 1; Hydrocephalus, nonsyndromic, autosomal recessive. Identifiers: Orphanet 2185, MedGen C3887608, MONDO:0009360, OMIM 236600.

Submission:

Myriad Genetics, Inc.
Classification: Uncertain significance for Hydrocephalus, nonsyndromic, autosomal recessive 1. Last evaluated: 2025-09-11. Review status: criteria provided, single submitter. Criteria: Myriad Autosomal Dominant, Autosomal Recessive and X-Linked Classification Criteria (2023). Collection method: clinical testing. Allele origin: unknown.
Comment: NM_001080414.3(CCDC88C):c.2671_2673delAAG(K891del) is an in-frame deletion classified as a variant of uncertain significance in the context of congenital hydrocephalus, CCDC88C-related. K891del has not been observed in cases with relevant disease. Relevant functional assessments of this variant are not available in the literature. K891del has not been observed in referenced population frequency databases. In summary, there is insufficient evidence to classify NM_001080414.3(CCDC88C):c.2671_2673delAAG(K891del) as pathogenic or benign. Please note: this variant was assessed in the context of healthy population screening.